The following is an entry in ClinVar:

ClinVar aggregate classification (germline): Uncertain significance (1 of 4 stars; one submission).

Submission:

GeneDx
Classification: Uncertain significance. Last evaluated: 2024-11-05. Review status: criteria provided, single submitter. Criteria: GeneDx Variant Classification Process June 2021. Collection method: clinical testing. Allele origin: germline. Affected: yes.
Comment: Has not been previously published as pathogenic or benign to our knowledge; Missense variants in this gene are a common cause of disease and they are underrepresented in the general population; In silico analysis supports that this missense variant has a deleterious effect on protein structure/function; Not observed at significant frequency in large population cohorts (gnomAD)

NM_178012.5(TUBB2B):c.616G>T (p.Ala206Ser)

Gene: TUBB2B (tubulin beta 2B class IIb; minus strand). Cytogenetic location: 6p25.2.
Variant type: single nucleotide variant.
Coding change: c.616G>T on transcript NM_178012.5 (MANE Select); coding-DNA position 616, G replaced by T.
Protein change: p.Ala206Ser; replaces alanine 206 with serine.
Molecular consequence: missense variant.
Genome position (GRCh38, 1-based): chr6:3,225,473, C>A on the plus strand (G>T on the coding strand, the complement: TUBB2B is on the minus strand). VCF-style: chr6-3225473-C-A. GRCh37 (hg19) VCF-style: chr6-3225707-C-A.
Other names: short protein forms A206S.
Identifiers: ClinVar variation 3898950 (VCV003898950.1).